The following is an entry in ClinVar:

ClinVar aggregate classification (germline): Likely benign (0 of 4 stars; one submission).

Conditions:
KSR2-related disorder. Also called: KSR2-related condition.

Submission:

PreventionGenetics, part of Exact Sciences
Classification: Likely benign for KSR2-related condition. Last evaluated: 2023-09-19. Review status: no assertion criteria provided. Collection method: clinical testing. Allele origin: germline.
Comment: This variant is classified as likely benign based on ACMG/AMP sequence variant interpretation guidelines (Richards et al. 2015 PMID: 25741868, with internal and published modifications).

NM_173598.6(KSR2):c.1172-10C>G

Gene: KSR2 (kinase suppressor of ras 2; minus strand). Cytogenetic location: 12q24.22.
Variant type: single nucleotide variant.
Coding change: c.1172-10C>G on transcript NM_173598.6 (MANE Select); 10 bases into the intron before coding-DNA position 1172, C replaced by G.
Molecular consequence: intron variant.
Genome position (GRCh38, 1-based): chr12:117,582,369, G>C on the plus strand (C>G on the coding strand, the complement: KSR2 is on the minus strand). VCF-style: chr12-117582369-G-C. GRCh37 (hg19) VCF-style: chr12-118020174-G-C.
Identifiers: ClinVar variation 3348093 (VCV003348093.1).